The following is an entry in ClinVar:

NM_000059.4(BRCA2):c.3264del (p.Gln1089fs)

Gene: BRCA2 (BRCA2 DNA repair associated; plus strand). Cytogenetic location: 13q13.1.
Variant type: Deletion.
Coding change: c.3264del on transcript NM_000059.4 (MANE Select); coding-DNA position 3264, one base deleted (T; older notation c.3264delT).
Protein change: p.Gln1089fs; shifts the reading frame from glutamine 1089.
Molecular consequence: frameshift variant.
Genome position (GRCh38, 1-based): chr13:32,337,619, T deleted. VCF-style (leftmost placement, unchanged base first): chr13-32337618-CT-C. GRCh37 (hg19) VCF-style: chr13-32911755-CT-C.
Other names: c.3264delT (NM_000059.3); short protein forms Q1089fs.
Identifiers: ClinVar variation 851381 (VCV000851381.11), dbSNP rs2072476458, ClinGen allele CA916080513.
Genomic context (GRCh38, chr13:32,337,618, plus strand): 5'-TATCTGCACATTTACAGAGTAGTGTAGTTGTTTCTGATTGTAAAAATAGTCATATAACCC[CT>C]CAGATGTTATTTTCCAAGCAGGATTTTAATTCAAACCATAATTTAACACCTAGCCAAAAG-3'

ClinVar aggregate classification (germline): Pathogenic. Review status: criteria provided, multiple submitters, no conflicts (2 of 4 stars). 2 submissions from 2 submitters: Pathogenic (2). Last evaluated 2025-02-18.

Conditions:
Hereditary cancer-predisposing syndrome. Also called: Tumor predisposition; Neoplastic Syndromes, Hereditary; Hereditary neoplastic syndrome; Hereditary Cancer Syndrome. Identifiers: Orphanet 140162, MedGen C0027672, MeSH D009386, MONDO:0015356.
Hereditary breast ovarian cancer syndrome. Also called: Hereditary breast and ovarian cancer syndrome; Breast and ovarian cancer; Hereditary breast and/or ovarian cancer syndrome; Hereditary breast and ovarian cancer; BRCA1- and BRCA2-Associated Hereditary Breast and Ovarian Cancer; Hereditary breast and ovarian cancer syndrome (HBOC). Identifiers: Orphanet 145, MedGen C0677776, MeSH D061325, MONDO:0003582. Disease mechanism: loss of function.

Submissions (2):

Ambry Genetics
Classification: Pathogenic for Hereditary cancer-predisposing syndrome. Last evaluated: 2025-02-18. Review status: criteria provided, single submitter. Criteria: Ambry Variant Classification Scheme 2023. Collection method: clinical testing. Allele origin: germline.
Comment: The c.3264delT pathogenic mutation, located in coding exon 10 of the BRCA2 gene, results from a deletion of one nucleotide at nucleotide position 3264, causing a translational frameshift with a predicted alternate stop codon (p.Q1089Rfs*15). This variant is considered to be rare based on population cohorts in the Genome Aggregation Database (gnomAD). This alteration is expected to result in loss of function by premature protein truncation or nonsense-mediated mRNA decay. As such, this alteration is interpreted as a disease-causing mutation.

Labcorp Genetics (formerly Invitae), Labcorp
Classification: Pathogenic for Hereditary breast ovarian cancer syndrome. Last evaluated: 2019-12-19. Review status: criteria provided, single submitter. Criteria: Invitae Variant Classification Sherloc (09022015). Collection method: clinical testing. Allele origin: germline.
Comment: For these reasons, this variant has been classified as Pathogenic. Loss-of-function variants in BRCA2 are known to be pathogenic (PMID: 20104584). This variant has not been reported in the literature in individuals with BRCA2-related conditions. This variant is not present in population databases (ExAC no frequency). This sequence change creates a premature translational stop signal (p.Gln1089Argfs*15) in the BRCA2 gene. It is expected to result in an absent or disrupted protein product.

Literature cited by the submitters: PubMed 20104584 (cited by Labcorp Genetics (formerly Invitae), Labcorp).